The following is an entry in ClinVar:

NM_000501.4(ELN):c.1021G>T (p.Val341Phe)

Gene: ELN (elastin; plus strand). Cytogenetic location: 7q11.23.
Variant type: single nucleotide variant.
Coding change: c.1021G>T on transcript NM_000501.4 (MANE Select); coding-DNA position 1021, G replaced by T.
Protein change: p.Val341Phe; replaces valine 341 with phenylalanine.
Molecular consequence: missense variant.
Genome position (GRCh38, 1-based): chr7:74,053,234, G>T. VCF-style: chr7-74053234-G-T. GRCh37 (hg19) VCF-style: chr7-73467564-G-T.
Other names: c.991G>T, p.Val331Phe (NM_001081752.3, NM_001278917.2); c.1036G>T, p.Val346Phe (NM_001081753.3, NM_001081754.3); c.1021G>T, p.Val341Phe (NM_001081755.3, NM_001278912.2, NM_001278915.2 and 1 more transcripts); c.913G>T, p.Val305Phe (NM_001278913.2); c.1006G>T, p.Val336Phe (NM_001278914.2); c.979G>T, p.Val327Phe (NM_001278916.2); c.889G>T, p.Val297Phe (NM_001278918.2); short protein forms V327F, V331F, V297F, V305F, V341F, V336F, V346F.
Identifiers: ClinVar variation 1481531 (VCV001481531.8), dbSNP rs190758549, ClinGen allele CA160132190.
Genomic context (GRCh38, chr7:74,053,234, plus strand): 5'-GGCTTAGTGCCTGGTGGGCCAGGCTTTGGCCCGGGAGTAGTTGGTGTCCCAGGAGCTGGC[G>T]TTCCAGGTGTTGGTGTCCCAGGAGCTGGGATTCCAGTTGTCCCAGGTGCTGGGATCCCAG-3'
Protein context (NP_000492.2, residues 331-351): PGVVGVPGAG[Val341Phe]PGVGVPGAGI

ClinVar aggregate classification (germline): Uncertain significance (1 of 4 stars; one submission).

Conditions:
Supravalvar aortic stenosis (SVAS). Also called: Supravalvar aortic stenosis, Eisenberg type. Identifiers: Orphanet 3193, MedGen C0003499, MONDO:0008504, OMIM 185500, HP:0004381.

gnomAD v4.1: 10 of 1,614,072 alleles (0.00062%); highest among the groups gnomAD compares: Non-Finnish European, 0.00076%; no homozygotes.

Submission:

Labcorp Genetics (formerly Invitae), Labcorp
Classification: Uncertain significance for Supravalvar aortic stenosis. Last evaluated: 2022-10-24. Review status: criteria provided, single submitter. Criteria: Invitae Variant Classification Sherloc (09022015). Collection method: clinical testing. Allele origin: germline.
Comment: This sequence change replaces valine, which is neutral and non-polar, with phenylalanine, which is neutral and non-polar, at codon 341 of the ELN protein (p.Val341Phe). This variant is present in population databases (rs190758549, gnomAD 0.0009%). This variant has not been reported in the literature in individuals affected with ELN-related conditions. ClinVar contains an entry for this variant (Variation ID: 1481531). Advanced modeling of protein sequence and biophysical properties (such as structural, functional, and spatial information, amino acid conservation, physicochemical variation, residue mobility, and thermodynamic stability) performed at Invitae indicates that this missense variant is not expected to disrupt ELN protein function. In summary, the available evidence is currently insufficient to determine the role of this variant in disease. Therefore, it has been classified as a Variant of Uncertain Significance.